The following is an entry in ClinVar:

NM_198904.4(GABRG2):c.548+14A>G

Gene: GABRG2 (gamma-aminobutyric acid type A receptor subunit gamma2; plus strand). Cytogenetic location: 5q34.
Variant type: single nucleotide variant.
Coding change: c.548+14A>G on transcript NM_198904.4 (MANE Select); 14 bases into the intron after coding-DNA position 548, A replaced by G.
Molecular consequence: intron variant.
Genome position (GRCh38, 1-based): chr5:162,097,872, A>G. VCF-style: chr5-162097872-A-G. GRCh37 (hg19) VCF-style: chr5-161524878-A-G.
Other names: c.548+14A>G (NM_000816.3, NM_001375343.1, NM_001375344.1 and 4 more transcripts); c.263+14A>G (NM_001375349.1); c.128+14A>G (NM_001375350.1, NM_001375348.1); c.539+14A>G (NM_001375339.1); c.482+14A>G (NM_001375346.1, NM_001375345.1); c.461+14A>G (NM_001375347.1).
Identifiers: ClinVar variation 384014 (VCV000384014.1), dbSNP rs1057521821, ClinGen allele CA16604745.

ClinVar aggregate classification (germline): Likely benign (1 of 4 stars; one submission).

gnomAD v4.1: 1 of 1,595,102 alleles (0.000063%); no homozygotes.

Submission:

GeneDx
Classification: Likely benign. Last evaluated: 2016-03-02. Review status: criteria provided, single submitter. Criteria: GeneDx Variant Classification (06012015). Collection method: clinical testing. Allele origin: germline. Affected: yes.
Comment: This variant is considered likely benign or benign based on one or more of the following criteria: it is a conservative change, it occurs at a poorly conserved position in the protein, it is predicted to be benign by multiple in silico algorithms, and/or has population frequency not consistent with disease.